The following is an entry in ClinVar:

ClinVar aggregate classification (germline): Uncertain significance (1 of 4 stars; one submission).

Conditions:
Encephalopathy, acute, infection-induced (herpes-specific), susceptibility to, 1. Also called: Herpes simplex encephalitis, susceptibility to, 1. Identifiers: Orphanet 1930, MedGen C2750180, MONDO:0024563, OMIM 610551.

Allele frequency attached by ClinVar (database versions not stated): gnomAD 0.00001.

Submission:

Labcorp Genetics (formerly Invitae), Labcorp
Classification: Uncertain significance for Encephalopathy, acute, infection-induced (herpes-specific), susceptibility to, 1. Last evaluated: 2019-12-17. Review status: criteria provided, single submitter. Criteria: Invitae Variant Classification Sherloc (09022015). Collection method: clinical testing. Allele origin: germline.
Comment: The frequency data for this variant in the population databases is considered unreliable, as metrics indicate insufficient coverage at this position in the ExAC database. In summary, the available evidence is currently insufficient to determine the role of this variant in disease. Therefore, it has been classified as a Variant of Uncertain Significance. Experimental studies and prediction algorithms are not available or were not evaluated, and the functional significance of this variant is currently unknown. This variant has not been reported in the literature in individuals with UNC93B1-related conditions. This sequence change affects the initiator methionine of the UNC93B1 mRNA. The next in-frame methionine is located at codon 10.

NM_030930.4(UNC93B1):c.1A>G (p.Met1Val)

Gene: UNC93B1 (unc-93B1 regulator of TLR signaling; minus strand). Cytogenetic location: 11q13.2.
Variant type: single nucleotide variant.
Coding change: c.1A>G on transcript NM_030930.4 (MANE Select); coding-DNA position 1, A replaced by G.
Protein change: p.Met1Val; changes the start codon (methionine 1).
Molecular consequence: missense variant, initiator codon variant.
Genome position (GRCh38, 1-based): chr11:68,004,043, T>C on the plus strand (A>G on the coding strand, the complement: UNC93B1 is on the minus strand). VCF-style: chr11-68004043-T-C. GRCh37 (hg19) VCF-style: chr11-67771513-T-C.
Other names: short protein forms M1V.
Identifiers: ClinVar variation 850878 (VCV000850878.11), dbSNP rs1857094590, ClinGen allele CA381580408.
Genomic context (GRCh38, chr11:68,004,043, plus strand): 5'-CCTCGTCGCCCTGCGGCCCCGCAGCCCCCGCCATCGGGTAGAGCGGCGGCTCCGCCTCCA[T>C]GGCCCGAACTACTGCGGACTCGCGGCGGTCGCCCCGGAGTCCCTGCGACCGCCCGGCCAC-3'
Protein context (NP_112192.2, residues 1-11): [Met1Val]EAEPPLYPMA